The following is an entry in ClinVar:

ClinVar aggregate classification (germline): Uncertain significance. Review status: criteria provided, multiple submitters, no conflicts (2 of 4 stars). 2 submissions from 2 submitters: Uncertain significance (2). Last evaluated 2025-09-23.

Conditions:
Hereditary cancer-predisposing syndrome. Also called: Hereditary neoplastic syndrome; Tumor predisposition; Hereditary Cancer Syndrome; Neoplastic Syndromes, Hereditary. Identifiers: Orphanet 140162, MedGen C0027672, MeSH D009386, MONDO:0015356.
DICER1-related tumor predisposition. Also called: DICER1 syndrome; DICER1-related pleuropulmonary blastoma cancer predisposition syndrome. Identifiers: Orphanet 284343, MedGen C3839822, MONDO:0100216.

Submissions (2):

Labcorp Genetics (formerly Invitae), Labcorp
Classification: Uncertain significance for DICER1-related tumor predisposition. Last evaluated: 2025-09-23. Review status: criteria provided, single submitter. Criteria: Invitae Variant Classification Sherloc (09022015). Collection method: clinical testing. Allele origin: germline.
Comment: This sequence change replaces aspartic acid, which is acidic and polar, with valine, which is neutral and non-polar, at codon 608 of the DICER1 protein (p.Asp608Val). This variant is not present in population databases (gnomAD no frequency). This variant has not been reported in the literature in individuals affected with DICER1-related conditions. ClinVar contains an entry for this variant (Variation ID: 576067). Invitae Evidence Modeling of protein sequence and biophysical properties (such as structural, functional, and spatial information, amino acid conservation, physicochemical variation, residue mobility, and thermodynamic stability) indicates that this missense variant is not expected to disrupt DICER1 protein function with a negative predictive value of 95%. In summary, the available evidence is currently insufficient to determine the role of this variant in disease. Therefore, it has been classified as a Variant of Uncertain Significance.

Ambry Genetics
Classification: Uncertain significance for Hereditary cancer-predisposing syndrome. Last evaluated: 2024-12-09. Review status: criteria provided, single submitter. Criteria: Ambry Variant Classification Scheme 2023. Collection method: clinical testing. Allele origin: germline.
Comment: The p.D608V variant (also known as c.1823A>T), located in coding exon 10 of the DICER1 gene, results from an A to T substitution at nucleotide position 1823. The aspartic acid at codon 608 is replaced by valine, an amino acid with highly dissimilar properties. This amino acid position is highly conserved in available vertebrate species. In addition, the in silico prediction for this alteration is inconclusive. Based on the available evidence, the clinical significance of this variant remains unclear.

NM_177438.3(DICER1):c.1823A>T (p.Asp608Val)

Gene: DICER1 (dicer 1, ribonuclease III; minus strand). Cytogenetic location: 14q32.13.
Variant type: single nucleotide variant.
Coding change: c.1823A>T on transcript NM_177438.3 (MANE Select); coding-DNA position 1823, A replaced by T.
Protein change: p.Asp608Val; replaces aspartic acid 608 with valine.
Molecular consequence: missense variant.
Genome position (GRCh38, 1-based): chr14:95,115,751, T>A on the plus strand (A>T on the coding strand, the complement: DICER1 is on the minus strand). VCF-style: chr14-95115751-T-A. GRCh37 (hg19) VCF-style: chr14-95582088-T-A.
Other names: c.1823A>T, p.Asp608Val (NM_001195573.1, NM_001271282.3, NM_001291628.2 and 1 more transcripts); short protein forms D608V.
Identifiers: ClinVar variation 576067 (VCV000576067.15), dbSNP rs1270338113, ClinGen allele CA390884052.